The following is an entry in ClinVar:

ClinVar aggregate classification (germline): Pathogenic (1 of 4 stars; one submission).

Conditions:
Duchenne muscular dystrophy (DMD). Also called: Duchenne Muscular Dystrophy (DMD); MUSCULAR DYSTROPHY, PSEUDOHYPERTROPHIC PROGRESSIVE, DUCHENNE TYPE. Identifiers: Orphanet 98896, MedGen C0013264, MONDO:0010679, OMIM 310200.

Submission:

Labcorp Genetics (formerly Invitae), Labcorp
Classification: Pathogenic for Duchenne muscular dystrophy. Last evaluated: 2022-12-07. Review status: criteria provided, single submitter. Criteria: Invitae Variant Classification Sherloc (09022015). Collection method: clinical testing. Allele origin: germline.
Comment: For these reasons, this variant has been classified as Pathogenic. The region of the DMD gene that includes exon(s) 13 has been determined to be clinically significant (PMID: 15684864, 28116794, 28610567). Therefore, deletions that encompass that region are likely to be disease-causing. A similar copy number variant has been observed in individual(s) with Duchenne muscular dystrophy (Invitae). This variant is a gross deletion of the genomic region encompassing exon(s) 10-37 of the DMD gene. This variant would be expected to be in-frame, preserving the integrity of the reading frame.

Literature cited by the submitters: PubMed 15684864; PubMed 28116794; PubMed 28610567.

NC_000023.10:g.(?_32379145)_(32669194_?)del

Gene: DMD (dystrophin; minus strand). Cytogenetic location: Xp21.1.
Variant type: Deletion.
Identifiers: ClinVar variation 2424883 (VCV002424883.5).